The following is an entry in ClinVar:

NM_000548.5(TSC2):c.1852C>T (p.Leu618=)

Gene: TSC2 (TSC complex subunit 2; plus strand). Cytogenetic location: 16p13.3.
Variant type: single nucleotide variant.
Coding change: c.1852C>T on transcript NM_000548.5 (MANE Select); coding-DNA position 1852, C replaced by T.
Protein change: p.Leu618=; no amino-acid change (leucine 618 retained).
Molecular consequence: synonymous variant.
Genome position (GRCh38, 1-based): chr16:2,071,522, C>T. VCF-style: chr16-2071522-C-T. GRCh37 (hg19) VCF-style: chr16-2121523-C-T.
Other names: c.1852C>T, p.Leu618= (NM_001077183.3, NM_001114382.3, NM_001363528.2 and 3 more transcripts); c.1741C>T, p.Leu581= (NM_001318827.2); c.1705C>T, p.Leu569= (NM_001318829.2); c.1252C>T, p.Leu418= (NM_001318831.2); c.1885C>T, p.Leu629= (NM_001318832.2).
Identifiers: ClinVar variation 536084 (VCV000536084.10), dbSNP rs1164507294, ClinGen allele CA492950263.

ClinVar aggregate classification (germline): Benign/Likely benign. Review status: criteria provided, multiple submitters, no conflicts (2 of 4 stars). 3 submissions from 3 submitters: Benign (1); Likely benign (2). Last evaluated 2025-11-02.

Conditions:
Tuberous sclerosis 2 (TSC2). Identifiers: Orphanet 805, MedGen C1860707, MONDO:0013199, OMIM 613254.
Hereditary cancer-predisposing syndrome. Also called: Neoplastic Syndromes, Hereditary; Tumor predisposition; Hereditary Cancer Syndrome; Hereditary neoplastic syndrome. Identifiers: Orphanet 140162, MedGen C0027672, MeSH D009386, MONDO:0015356.

Allele frequency attached by ClinVar (database versions not stated): gnomAD exomes below 0.00001.
gnomAD v4.1: 1 of 1,613,680 alleles (0.000062%); highest among the groups gnomAD compares: Admixed American, 0.0017%; no homozygotes.

Submissions (3):

Ambry Genetics
Classification: Likely benign for Hereditary cancer-predisposing syndrome. Last evaluated: 2025-11-02. Review status: criteria provided, single submitter. Criteria: Ambry Variant Classification Scheme 2023. Collection method: clinical testing. Allele origin: germline.

Myriad Genetics, Inc.
Classification: Benign for Tuberous sclerosis 2. Last evaluated: 2025-05-16. Review status: criteria provided, single submitter. Criteria: Myriad Autosomal Dominant, Autosomal Recessive and X-Linked Classification Criteria (2023). Collection method: clinical testing. Allele origin: unknown.
Comment: This variant is considered benign. This variant is a silent/synonymous amino acid change and it is not expected to impact splicing.

Labcorp Genetics (formerly Invitae), Labcorp
Classification: Likely benign for Tuberous sclerosis 2. Last evaluated: 2021-08-14. Review status: criteria provided, single submitter. Criteria: Invitae Variant Classification Sherloc (09022015). Collection method: clinical testing. Allele origin: germline.